The following is an entry in ClinVar:

NM_006096.4(NDRG1):c.307G>A (p.Ala103Thr)

Gene: NDRG1 (N-myc downstream regulated 1; minus strand). Cytogenetic location: 8q24.22.
Variant type: single nucleotide variant.
Coding change: c.307G>A on transcript NM_006096.4 (MANE Select); coding-DNA position 307, G replaced by A.
Protein change: p.Ala103Thr; replaces alanine 103 with threonine.
Molecular consequence: missense variant.
Genome position (GRCh38, 1-based): chr8:133,262,066, C>T on the plus strand (G>A on the coding strand, the complement: NDRG1 is on the minus strand). VCF-style: chr8-133262066-C-T. GRCh37 (hg19) VCF-style: chr8-134274309-C-T.
Other names: c.307G>A, p.Ala103Thr (NM_001135242.2, NM_001374844.1, NM_001374845.1 and 1 more transcripts); c.109G>A, p.Ala37Thr (NM_001258432.2, NM_001374847.1); c.64G>A, p.Ala22Thr (NM_001258433.2); short protein forms A37T, A103T, A22T.
Identifiers: ClinVar variation 639144 (VCV000639144.6), dbSNP rs374160497, ClinGen allele CA4886826.
Genomic context (GRCh38, chr8:133,262,066, plus strand): 5'-GTTTCCACCCTGTAGAGCTCATAGGGCAAGAGGCCTCTCACCCTGCGGGGAAGGAGGCTG[C>T]GCCGTCCTGCTGGCCAGGGGCGTCCACGTGGCAGACGGCAAAGTGCTGGGTGATCTCCTG-3'
Protein context (NP_006087.2, residues 93-113): HVDAPGQQDG[Ala103Thr]ASFPAGYMYP

ClinVar aggregate classification (germline): Uncertain significance. Review status: criteria provided, single submitter (1 of 4 stars). 2 submissions from 2 submitters: Uncertain significance (1). 1 of the submissions does not count toward it. Last evaluated 2022-02-10.

Conditions:
Charcot-Marie-Tooth disease type 4. Also called: Charcot-Marie-Tooth, Type 4; Charcot-Marie-Tooth disease, type IV. Identifiers: Orphanet 64749, MedGen C4082197, MONDO:0018995.

Allele frequency attached by ClinVar (database versions not stated): gnomAD 0.00003; ESP Exome Variant Server 0.00008; TOPMed 0.00002.
gnomAD v4.1: 33 of 1,613,344 alleles (0.002%); highest among the groups gnomAD compares: South Asian, 0.0077%; no homozygotes.

Submissions (2):

Labcorp Genetics (formerly Invitae), Labcorp
Classification: Uncertain significance for Charcot-Marie-Tooth disease type 4. Last evaluated: 2022-02-10. Review status: criteria provided, single submitter. Criteria: Invitae Variant Classification Sherloc (09022015). Collection method: clinical testing. Allele origin: germline.
Comment: This sequence change replaces alanine, which is neutral and non-polar, with threonine, which is neutral and polar, at codon 103 of the NDRG1 protein (p.Ala103Thr). This variant is present in population databases (rs374160497, gnomAD 0.01%). This variant has not been reported in the literature in individuals affected with NDRG1-related conditions. ClinVar contains an entry for this variant (Variation ID: 639144). Algorithms developed to predict the effect of missense changes on protein structure and function are either unavailable or do not agree on the potential impact of this missense change (SIFT: "Deleterious"; PolyPhen-2: "Probably Damaging"; Align-GVGD: "Class C0"). In summary, the available evidence is currently insufficient to determine the role of this variant in disease. Therefore, it has been classified as a Variant of Uncertain Significance.

Natera, Inc.
Classification: Uncertain significance for Charcot-Marie-Tooth disease type 4. Last evaluated: 2020-09-16. Review status: no assertion criteria provided. Collection method: clinical testing. Allele origin: germline. Not counted in ClinVar's aggregate classification.